The following is an entry in ClinVar:

ClinVar aggregate classification (germline): Uncertain significance (1 of 4 stars; one submission).

Conditions:
Familial adenomatous polyposis 1 (FAP1). Also called: FAMILIAL ADENOMATOUS POLYPOSIS 1, ATTENUATED; POLYPOSIS, ADENOMATOUS INTESTINAL. Identifiers: MedGen C2713442, MONDO:0021056, OMIM 175100. Disease mechanism: loss of function.

Submission:

Labcorp Genetics (formerly Invitae), Labcorp
Classification: Uncertain significance for Familial adenomatous polyposis 1. Last evaluated: 2024-08-12. Review status: criteria provided, single submitter. Criteria: Invitae Variant Classification Sherloc (09022015). Collection method: clinical testing. Allele origin: germline.
Comment: This sequence change replaces leucine, which is neutral and non-polar, with isoleucine, which is neutral and non-polar, at codon 469 of the APC protein (p.Leu469Ile). This variant is not present in population databases (gnomAD no frequency). This variant has not been reported in the literature in individuals affected with APC-related conditions. Advanced modeling of protein sequence and biophysical properties (such as structural, functional, and spatial information, amino acid conservation, physicochemical variation, residue mobility, and thermodynamic stability) performed at Invitae indicates that this missense variant is not expected to disrupt APC protein function with a negative predictive value of 95%. In summary, the available evidence is currently insufficient to determine the role of this variant in disease. Therefore, it has been classified as a Variant of Uncertain Significance.

NM_000038.6(APC):c.1405C>A (p.Leu469Ile)

Gene: APC (APC regulator of Wnt signaling pathway; plus strand). Cytogenetic location: 5q22.2.
Variant type: single nucleotide variant.
Coding change: c.1405C>A on transcript NM_000038.6 (MANE Select); coding-DNA position 1405, C replaced by A.
Protein change: p.Leu469Ile; replaces leucine 469 with isoleucine.
Molecular consequence: missense variant. On other transcripts: non-coding transcript variant (2).
Genome position (GRCh38, 1-based): chr5:112,821,988, C>A. VCF-style: chr5-112821988-C-A. GRCh37 (hg19) VCF-style: chr5-112157685-C-A.
Other names: c.1228C>A, p.Leu410Ile (NM_001354900.2, NM_001354901.2, NM_001407453.1); c.1132C>A, p.Leu378Ile (NM_001354902.2); c.1102C>A, p.Leu368Ile (NM_001354903.2, NM_001407455.1, NM_001407458.1 and 5 more transcripts); c.1027C>A, p.Leu343Ile (NM_001354904.2); c.925C>A, p.Leu309Ile (NM_001354905.2); c.556C>A, p.Leu186Ile (NM_001354906.2, NM_001407470.1); c.1435C>A, p.Leu479Ile (NM_001407446.1, NM_001354897.2); c.1405C>A, p.Leu469Ile (NM_001407447.1, NM_001407448.1, NM_001407449.1 and 4 more transcripts); and 5 more; short protein forms L186I, L340I, L368I, L378I, L410I, L444I, L469I, L479I.
Identifiers: ClinVar variation 3635409 (VCV003635409.2).
Genomic context (GRCh38, chr5:112,821,988, plus strand): 5'-GCTGTGTGTGTTCTAATGAAACTTTCATTTGATGAAGAGCATAGACATGCAATGAATGAA[C>A]TAGGTAAGACAAAAATGTTTTTTAATGACATAGACAATTACTGGTGGATTTTTAAATCAT-3'
Protein context (NP_000029.2, residues 459-479): DEEHRHAMNE[Leu469Ile]GGLQAIAELL